The following is an entry in ClinVar:

NM_006031.6(PCNT):c.4560C>T (p.Ser1520=)

Gene: PCNT (pericentrin; plus strand). Cytogenetic location: 21q22.3.
Variant type: single nucleotide variant.
Coding change: c.4560C>T on transcript NM_006031.6 (MANE Select); coding-DNA position 4560, C replaced by T.
Protein change: p.Ser1520=; no amino-acid change (serine 1520 retained).
Molecular consequence: synonymous variant.
Genome position (GRCh38, 1-based): chr21:46,398,127, C>T. VCF-style: chr21-46398127-C-T. GRCh37 (hg19) VCF-style: chr21-47818041-C-T.
Other names: c.4206C>T, p.Ser1402= (NM_001315529.2).
Identifiers: ClinVar variation 4998335 (VCV004998335.1).

ClinVar aggregate classification (germline): Likely benign (1 of 4 stars; one submission).

Conditions:
PCNT-related disorder. Also called: PCNT-related condition.

Submission:

PreventionGenetics, part of Exact Sciences
Classification: Likely benign for PCNT-related condition. Last evaluated: 2025-04-25. Review status: criteria provided, single submitter. Criteria: ACMG Guidelines, 2015. Collection method: clinical testing. Allele origin: germline.
Comment: This variant is classified as likely benign based on ACMG/AMP sequence variant interpretation guidelines (Richards et al. 2015 PMID: 25741868, with internal and published modifications).